The following is an entry in ClinVar:

ClinVar aggregate classification (germline): Pathogenic (1 of 4 stars; one submission).

Conditions:
Telangiectasia, hereditary hemorrhagic, type 1 (HHT1). Also called: Osler Weber Rendu syndrome type 1; ENG-Related Hereditary Hemorrhagic Telangiectasia. Identifiers: Orphanet 774, MedGen C4551861, MONDO:0008535, OMIM 187300. Disease mechanism: loss of function.

Submission:

Labcorp Genetics (formerly Invitae), Labcorp
Classification: Pathogenic for Osler hemorrhagic telangiectasia syndrome. Last evaluated: 2018-01-25. Review status: criteria provided, single submitter. Criteria: Invitae Variant Classification Sherloc (09022015). Collection method: clinical testing. Allele origin: germline.
Comment: This variant is a gross deletion of the genomic region encompassing the last 37 nucleotides of exon 9 and all of exons 10-12 of the ENG gene (c.1236_1687-77del). This likely creates a premature translational stop signal and is expected to result in an absent or disrupted protein product. This variant has not been reported in the literature in individuals with ENG-related disease. Loss-of-function variants in ENG are known to be pathogenic (PMID: 15879500, 20656886, 22385575). For these reasons, this variant has been classified as Pathogenic.

NM_001114753.3(ENG):c.1236_1687-77del

Genes: ENG (endoglin; minus strand), LOC102723566 (uncharacterized LOC102723566; plus strand). Cytogenetic location: 9q34.11.
Variant type: Deletion.
Coding change: c.1236_1687-77del on transcript NM_001114753.3 (MANE Select); coding-DNA position 1236 through 77 bases into the intron before coding-DNA position 1687, 2,657 bases deleted.
Molecular consequence: splice acceptor variant, splice donor variant.
Genome position (GRCh38, 1-based): chr9:127,817,280-127,819,936, 2,657 bases deleted. GRCh37 (hg19): chr9:130,579,563-130,582,219.
Other names: c.1235_1687-78del (NM_000118.3); c.1236_1687-77del (NM_000118.4); c.690_1141-77del (NM_001278138.2).
Identifiers: ClinVar variation 571701 (VCV000571701.3), ClinGen allele CA891842552.